The following is an entry in ClinVar:

NM_002609.4(PDGFRB):c.2463+4C>T

Gene: PDGFRB (platelet derived growth factor receptor beta; minus strand). Cytogenetic location: 5q32.
Variant type: single nucleotide variant.
Coding change: c.2463+4C>T on transcript NM_002609.4 (MANE Select); 4 bases into the intron after coding-DNA position 2463, C replaced by T.
Molecular consequence: intron variant.
Genome position (GRCh38, 1-based): chr5:150,121,200, G>A on the plus strand (C>T on the coding strand, the complement: PDGFRB is on the minus strand). VCF-style: chr5-150121200-G-A. GRCh37 (hg19) VCF-style: chr5-149500763-G-A.
Other names: c.2271+4C>T (NM_001355016.2); c.1980+4C>T (NM_001355017.2).
Identifiers: ClinVar variation 1386117 (VCV001386117.6), dbSNP rs557338313, ClinGen allele CA3507635.

ClinVar aggregate classification (germline): Uncertain significance (1 of 4 stars; one submission).

Conditions:
Acroosteolysis-keloid-like lesions-premature aging syndrome. Also called: Progeroid syndrome, Penttinen type; Premature aging syndrome, Penttinen type; Prematurely aged appearance, delayed bone maturation, acro-osteolysis, and brachydactyly. Identifiers: Orphanet 363665, MedGen C1866182, MONDO:0011150, OMIM 601812.
Skeletal overgrowth-craniofacial dysmorphism-hyperelastic skin-white matter lesions syndrome. Also called: SKELETAL OVERGROWTH WITH FACIAL DYSMORPHISM, HYPERELASTIC SKIN, WHITE MATTER LESIONS, AND NEUROLOGIC DETERIORATION; Kosaki overgrowth syndrome. Identifiers: Orphanet 477831, MedGen C4225270, MONDO:0014704, OMIM 616592.
Basal ganglia calcification, idiopathic, 4 (PFBC4). Also called: PRIMARY FAMILIAL BRAIN CALCIFICATION 4, AUTOSOMAL DOMINANT; Familial Idiopathic Basal Ganglia Calcification 4. Identifiers: Orphanet 1980, MedGen C3554321, MONDO:0014004, OMIM 615007.
Infantile myofibromatosis (IMF). Also called: Congenital generalized fibromatosis. Identifiers: Orphanet 2591, MedGen C0432284, MONDO:0016824.

Allele frequency attached by ClinVar (database versions not stated): TOPMed 0.00003; 1000 Genomes Project 0.00020; gnomAD exomes 0.00004; ExAC 0.00003; 1000 Genomes Project 30x 0.00016.
gnomAD v4.1: 58 of 1,398,152 alleles (0.0041%); highest among the groups gnomAD compares: Middle Eastern, 0.053%; 2 homozygotes.

Submission:

Labcorp Genetics (formerly Invitae), Labcorp
Classification: Uncertain significance for Basal ganglia calcification, idiopathic, 4; Skeletal overgrowth-craniofacial dysmorphism-hyperelastic skin-white matter lesions syndrome; Infantile myofibromatosis; Acroosteolysis-keloid-like lesions-premature aging syndrome. Last evaluated: 2025-11-03. Review status: criteria provided, single submitter. Criteria: Invitae Variant Classification Sherloc (09022015). Collection method: clinical testing. Allele origin: germline.
Comment: This sequence change falls in intron 17 of the PDGFRB gene. It does not directly change the encoded amino acid sequence of the PDGFRB protein. It affects a nucleotide within the consensus splice site. This variant is present in population databases (rs557338313, gnomAD 0.006%). This variant has not been reported in the literature in individuals affected with PDGFRB-related conditions. ClinVar contains an entry for this variant (Variation ID: 1386117). Variants that disrupt the consensus splice site are a relatively common cause of aberrant splicing (PMID: 17576681, 9536098). Algorithms developed to predict the effect of sequence changes on RNA splicing suggest that this variant is not likely to affect RNA splicing. In summary, the available evidence is currently insufficient to determine the role of this variant in disease. Therefore, it has been classified as a Variant of Uncertain Significance.

Literature cited by the submitters: PubMed 17576681; PubMed 9536098.